The following is an entry in ClinVar:

NM_000051.4(ATM):c.8802C>G (p.Thr2934=)

Genes: ATM (ATM serine/threonine kinase; plus strand), C11orf65 (chromosome 11 open reading frame 65; minus strand). Cytogenetic location: 11q22.3.
Variant type: single nucleotide variant.
Coding change: c.8802C>G on transcript NM_000051.4 (MANE Select); coding-DNA position 8802, C replaced by G.
Protein change: p.Thr2934=; no amino-acid change (threonine 2934 retained).
Molecular consequence: synonymous variant. On other transcripts: intron variant (2).
Genome position (GRCh38, 1-based): chr11:108,354,826, C>G. VCF-style: chr11-108354826-C-G. GRCh37 (hg19) VCF-style: chr11-108225553-C-G.
Other names: c.8802C>G, p.Thr2934= (NM_001351834.2); c.640+31094G>C (NM_001330368.2); c.695-19534G>C (NM_001351110.2).
Identifiers: ClinVar variation 628400 (VCV000628400.12), dbSNP rs1565582354, ClinGen allele CA476674081.

ClinVar aggregate classification (germline): Benign/Likely benign. Review status: criteria provided, multiple submitters, no conflicts (2 of 4 stars). 4 submissions from 4 submitters: Benign (1); Likely benign (3). Last evaluated 2025-03-05.

Conditions:
Ataxia-telangiectasia syndrome (AT). Also called: Ataxia-telangiectasia, complementation group D; AT, COMPLEMENTATION GROUP C; ATAXIA-TELANGIECTASIA, COMPLEMENTATION GROUP A; ATAXIA-TELANGIECTASIA, FRESNO VARIANT; Ataxia-telangiectasia; LOUIS-BAR SYNDROME. Identifiers: Orphanet 100, MedGen C0004135, MONDO:0008840, OMIM 208900.
Familial cancer of breast. Also called: Hereditary breast cancer; BREAST CANCER, FAMILIAL; hereditary breast carcinoma. Identifiers: Orphanet 227535, MedGen C0346153, MONDO:0016419, OMIM 114480. Disease mechanism: loss of function.
Hereditary cancer-predisposing syndrome. Also called: Tumor predisposition; Hereditary neoplastic syndrome; Neoplastic Syndromes, Hereditary; Hereditary Cancer Syndrome. Identifiers: Orphanet 140162, MedGen C0027672, MeSH D009386, MONDO:0015356.

Allele frequency attached by ClinVar (database versions not stated): gnomAD exomes below 0.00001.
gnomAD v4.1: 1 of 1,613,714 alleles (0.000062%); highest among the groups gnomAD compares: Non-Finnish European, 0.000085%; no homozygotes.

Submissions (4):

Labcorp Genetics (formerly Invitae), Labcorp
Classification: Likely benign for Ataxia-telangiectasia syndrome. Last evaluated: 2025-03-05. Review status: criteria provided, single submitter. Criteria: Invitae Variant Classification Sherloc (09022015). Collection method: clinical testing. Allele origin: germline.

Myriad Genetics, Inc.
Classification: Benign for Familial cancer of breast. Last evaluated: 2024-06-21. Review status: criteria provided, single submitter. Criteria: Myriad Autosomal Dominant, Autosomal Recessive and X-Linked Classification Criteria (2023). Collection method: clinical testing. Allele origin: unknown.
Comment: This variant is considered benign. This variant is a silent/synonymous amino acid change and it is not expected to impact splicing.

Ambry Genetics
Classification: Likely benign for Hereditary cancer-predisposing syndrome. Last evaluated: 2023-04-28. Review status: criteria provided, single submitter. Criteria: Ambry Variant Classification Scheme 2023. Collection method: clinical testing. Allele origin: germline.

Color Diagnostics, LLC DBA Color Health
Classification: Likely benign for Hereditary cancer-predisposing syndrome. Last evaluated: 2018-05-15. Review status: criteria provided, single submitter. Criteria: ACMG Guidelines, 2015. Collection method: clinical testing. Allele origin: germline.